The following is an entry in ClinVar:

ClinVar aggregate classification (germline): Uncertain significance. Review status: criteria provided, multiple submitters, no conflicts (2 of 4 stars). 3 submissions from 3 submitters: Uncertain significance (3). Last evaluated 2025-08-07.

Conditions:
Nemaline myopathy 9 (NEM9). Identifiers: MedGen C3810384, MONDO:0014326, OMIM 615731.
Inborn genetic diseases. Identifiers: MedGen C0950123, MeSH D030342.

Allele frequency attached by ClinVar (database versions not stated): gnomAD exomes 0.00004 and 0.00008; ExAC 0.00006; gnomAD 0.00006; TOPMed 0.00006; 1000 Genomes Project 0.00020; 1000 Genomes Project 30x 0.00031.
gnomAD v4.1: 74 of 1,614,054 alleles (0.0046%); highest among the groups gnomAD compares: Admixed American, 0.023%; no homozygotes.

Submissions (3):

Ambry Genetics
Classification: Uncertain significance for Inborn genetic diseases. Last evaluated: 2025-08-07. Review status: criteria provided, single submitter. Criteria: Ambry Variant Classification Scheme 2023. Collection method: clinical testing. Allele origin: germline.

Labcorp Genetics (formerly Invitae), Labcorp
Classification: Uncertain significance for Nemaline myopathy 9. Last evaluated: 2023-10-03. Review status: criteria provided, single submitter. Criteria: Invitae Variant Classification Sherloc (09022015). Collection method: clinical testing. Allele origin: germline.
Comment: This sequence change replaces arginine, which is basic and polar, with cysteine, which is neutral and slightly polar, at codon 59 of the KLHL41 protein (p.Arg59Cys). This variant is present in population databases (rs547547946, gnomAD 0.03%). This variant has not been reported in the literature in individuals affected with KLHL41-related conditions. ClinVar contains an entry for this variant (Variation ID: 474868). Advanced modeling of protein sequence and biophysical properties (such as structural, functional, and spatial information, amino acid conservation, physicochemical variation, residue mobility, and thermodynamic stability) has been performed at Invitae for this missense variant, however the output from this modeling did not meet the statistical confidence thresholds required to predict the impact of this variant on KLHL41 protein function. In summary, the available evidence is currently insufficient to determine the role of this variant in disease. Therefore, it has been classified as a Variant of Uncertain Significance.

Mayo Clinic Laboratories, Mayo Clinic
Classification: Uncertain significance. Last evaluated: 2023-06-22. Review status: criteria provided, single submitter. Criteria: ACMG Guidelines, 2015. Collection method: clinical testing. Allele origin: germline. Observed: 1 variant allele.
Comment: PM2

NM_006063.3(KLHL41):c.175C>T (p.Arg59Cys)

Gene: KLHL41 (kelch like family member 41; plus strand). Cytogenetic location: 2q31.1.
Variant type: single nucleotide variant.
Coding change: c.175C>T on transcript NM_006063.3 (MANE Select); coding-DNA position 175, C replaced by T.
Protein change: p.Arg59Cys; replaces arginine 59 with cysteine.
Molecular consequence: missense variant.
Genome position (GRCh38, 1-based): chr2:169,509,953, C>T. VCF-style: chr2-169509953-C-T. GRCh37 (hg19) VCF-style: chr2-170366463-C-T.
Other names: p.Arg59Cys; short protein forms R59C.
Identifiers: ClinVar variation 474868 (VCV000474868.7), dbSNP rs547547946, ClinGen allele CA1956456.